The following is an entry in ClinVar:

ClinVar aggregate classification (germline): Uncertain significance (1 of 4 stars; one submission).

Conditions:
Inborn genetic diseases. Identifiers: MedGen C0950123, MeSH D030342.

Submission:

Ambry Genetics
Classification: Uncertain significance for Inborn genetic diseases. Last evaluated: 2024-09-05. Review status: criteria provided, single submitter. Criteria: Ambry Variant Classification Scheme 2023. Collection method: clinical testing. Allele origin: germline.
Comment: The c.1729_1924delinsGTT (p.S577Vfs*673) alteration, located in exon 5 (coding exon 4) of the DSPP gene, consists of a deletion of 196 and insertion of 3 nucleotides causing a translational frameshift at position 1729 with a predicted alternate stop codon after 673 amino acids. This alteration occurs in the last exon of the DSPP gene, is not expected to trigger nonsense-mediated mRNA decay, and impacts the last 55.7% of the protein. The exact functional effect of this alteration is unknown. This variant was not reported in population-based cohorts in the Genome Aggregation Database (gnomAD). Based on insufficient or conflicting evidence, the clinical significance of this alteration remains unclear.

NM_014208.3(DSPP):c.1729_1924delinsGTT (p.Ser577fs)

Genes: DMP1-AS1 (DMP1 and DSPP antisense RNA 1; minus strand), DSPP (dentin sialophosphoprotein; plus strand). Cytogenetic location: 4q22.1.
Variant type: Indel.
Coding change: c.1729_1924delinsGTT on transcript NM_014208.3 (MANE Select); coding-DNA positions 1729 to 1924, the reference bases replaced by GTT.
Protein change: p.Ser577fs; shifts the reading frame from serine 577.
Molecular consequence: frameshift variant.
Genome position (GRCh38, 1-based): chr4:87,614,391-87,614,586, 196 bases replaced. GRCh37 (hg19): chr4:88,535,543-88,535,738.
Other names: short protein forms S577fs.
Identifiers: ClinVar variation 3505573 (VCV003505573.1).